The following is an entry in ClinVar:

NM_004104.5(FASN):c.6851G>A (p.Ser2284Asn)

Gene: FASN (fatty acid synthase; minus strand). Cytogenetic location: 17q25.3.
Variant type: single nucleotide variant.
Coding change: c.6851G>A on transcript NM_004104.5 (MANE Select); coding-DNA position 6851, G replaced by A.
Protein change: p.Ser2284Asn; replaces serine 2284 with asparagine.
Molecular consequence: missense variant.
Genome position (GRCh38, 1-based): chr17:82,080,566, C>T on the plus strand (G>A on the coding strand, the complement: FASN is on the minus strand). VCF-style: chr17-82080566-C-T. GRCh37 (hg19) VCF-style: chr17-80038442-C-T.
Other names: short protein forms S2284N.
Identifiers: ClinVar variation 1427209 (VCV001427209.6), dbSNP rs2144779595, ClinGen allele CA401598409.

ClinVar aggregate classification (germline): Uncertain significance (1 of 4 stars; one submission).

Conditions:
Epileptic encephalopathy. Identifiers: MedGen C0543888, HP:0200134.

Allele frequency attached by ClinVar (database versions not stated): gnomAD exomes below 0.00001.
gnomAD v4.1: 1 of 1,557,854 alleles (0.000064%); highest among the groups gnomAD compares: Non-Finnish European, 0.000087%; no homozygotes.

Submission:

Labcorp Genetics (formerly Invitae), Labcorp
Classification: Uncertain significance for Epileptic encephalopathy. Last evaluated: 2021-12-02. Review status: criteria provided, single submitter. Criteria: Invitae Variant Classification Sherloc (09022015). Collection method: clinical testing. Allele origin: germline.
Comment: In summary, the available evidence is currently insufficient to determine the role of this variant in disease. Therefore, it has been classified as a Variant of Uncertain Significance. Algorithms developed to predict the effect of missense changes on protein structure and function output the following: SIFT: "Tolerated"; PolyPhen-2: "Benign"; Align-GVGD: "Class C0". The asparagine amino acid residue is found in multiple mammalian species, which suggests that this missense change does not adversely affect protein function. This variant has not been reported in the literature in individuals affected with FASN-related conditions. This variant is not present in population databases (gnomAD no frequency). This sequence change replaces serine, which is neutral and polar, with asparagine, which is neutral and polar, at codon 2284 of the FASN protein (p.Ser2284Asn).